The following is an entry in ClinVar:

NM_001365951.3(KIF1B):c.2173G>T (p.Ala725Ser)

Gene: KIF1B (kinesin family member 1B; plus strand). Cytogenetic location: 1p36.22.
Variant type: single nucleotide variant.
Coding change: c.2173G>T on transcript NM_001365951.3 (MANE Select); coding-DNA position 2173, G replaced by T.
Protein change: p.Ala725Ser; replaces alanine 725 with serine.
Molecular consequence: missense variant.
Genome position (GRCh38, 1-based): chr1:10,320,100, G>T. VCF-style: chr1-10320100-G-T. GRCh37 (hg19) VCF-style: chr1-10380158-G-T.
Other names: c.2173G>T, p.Ala725Ser (NM_001365952.1); c.2035G>T, p.Ala679Ser (NM_015074.3); short protein forms A679S, A725S.
Identifiers: ClinVar variation 1784813 (VCV001784813.4), dbSNP rs2521594726, ClinGen allele CA338332355.
Genomic context (GRCh38, chr1:10,320,100, plus strand): 5'-CAGGACTATGAGAGTAAATTGCAGGCCTTGCAGAAGCAGGTTGAAACCCGATCTCTGGCT[G>T]CAGAAACAACTGAAGAGGAGGAAGAAGAGGAAGAAGGTGAAATCTAGAGACCGAAAGTTT-3'
Protein context (NP_001352880.1, residues 715-735): QKQVETRSLA[Ala725Ser]ETTEEEEEEE

ClinVar aggregate classification (germline): Uncertain significance. Review status: criteria provided, multiple submitters, no conflicts (2 of 4 stars). 2 submissions from 2 submitters: Uncertain significance (2). Last evaluated 2025-08-07.

Conditions:
Charcot-Marie-Tooth disease type 2. Also called: Charcot-Marie-Tooth type 2. Identifiers: Orphanet 64746, MedGen C0270914, MONDO:0018993.

Submissions (2):

Labcorp Genetics (formerly Invitae), Labcorp
Classification: Uncertain significance for Charcot-Marie-Tooth disease type 2. Last evaluated: 2025-08-07. Review status: criteria provided, single submitter. Criteria: Invitae Variant Classification Sherloc (09022015). Collection method: clinical testing. Allele origin: germline.
Comment: This sequence change replaces alanine, which is neutral and non-polar, with serine, which is neutral and polar, at codon 679 of the KIF1B protein (p.Ala679Ser). This variant is not present in population databases (gnomAD no frequency). This variant has not been reported in the literature in individuals affected with KIF1B-related conditions. ClinVar contains an entry for this variant (Variation ID: 1784813). An algorithm developed to predict the effect of missense changes on protein structure and function (PolyPhen-2) suggests that this variant is likely to be disruptive. In summary, the available evidence is currently insufficient to determine the role of this variant in disease. Therefore, it has been classified as a Variant of Uncertain Significance.

Ambry Genetics
Classification: Uncertain significance. Last evaluated: 2024-09-09. Review status: criteria provided, single submitter. Criteria: Ambry Variant Classification Scheme 2023. Collection method: clinical testing. Allele origin: germline.
Comment: The p.A679S variant (also known as c.2035G>T), located in coding exon 20 of the KIF1B gene, results from a G to T substitution at nucleotide position 2035. The alanine at codon 679 is replaced by serine, an amino acid with similar properties. This amino acid position is conserved. In addition, this alteration is predicted to be tolerated by in silico analysis. Since supporting evidence is limited at this time, the clinical significance of this alteration remains unclear.